The following is an entry in ClinVar:

NM_003193.5(TBCE):c.1493delA (p.Lys498fs)

Genes: B3GALNT2 (beta-1,3-N-acetylgalactosaminyltransferase 2; minus strand), TBCE (tubulin folding cofactor E; plus strand). Cytogenetic location: 1q42.3.
Variant type: Deletion.
Coding change: c.1493delA on transcript NM_003193.5 (MANE Select); coding-DNA position 1493, one base deleted (A).
Protein change: p.Lys498fs; shifts the reading frame from lysine 498.
Molecular consequence: frameshift variant. On other transcripts: 3 prime UTR variant (1).
Genome position (GRCh38, 1-based): chr1:235,448,671, A deleted; the last of 2 consecutive A bases (chr1:235,448,670-235,448,671); deleting either gives the same sequence. VCF-style (leftmost placement, unchanged base first): chr1-235448669-GA-G. GRCh37 (hg19) VCF-style: chr1-235611984-GA-G.
Other names: c.*1536del (NM_152490.5); c.1493delA, p.Lys498fs (NM_001079515.3); c.1646delA, p.Lys549fs (NM_001287801.2); c.1154delA, p.Lys385fs (NM_001287802.2); short protein forms K385fs, K498fs, K549fs.
Identifiers: ClinVar variation 1966070 (VCV001966070.5), dbSNP rs2527118690, ClinGen allele CA2580062301.

ClinVar aggregate classification (germline): Uncertain significance (1 of 4 stars; one submission).

Submission:

Labcorp Genetics (formerly Invitae), Labcorp
Classification: Uncertain significance. Last evaluated: 2025-10-27. Review status: criteria provided, single submitter. Criteria: Invitae Variant Classification Sherloc (09022015). Collection method: clinical testing. Allele origin: germline.
Comment: This sequence change creates a premature translational stop signal (p.Lys498Serfs*12) in the TBCE gene. While this is not anticipated to result in nonsense mediated decay, it is expected to disrupt the last 30 amino acid(s) of the TBCE protein. This variant is not present in population databases (gnomAD no frequency). This variant has not been reported in the literature in individuals affected with TBCE-related conditions. ClinVar contains an entry for this variant (Variation ID: 1966070). Algorithms developed to predict the effect of sequence changes on RNA splicing suggest that this variant may disrupt the consensus splice site. In summary, the available evidence is currently insufficient to determine the role of this variant in disease. Therefore, it has been classified as a Variant of Uncertain Significance.